The following is an entry in ClinVar:

ClinVar aggregate classification (germline): Uncertain significance (1 of 4 stars; one submission).

gnomAD v4.1: 46 of 1,613,116 alleles (0.0029%); highest among the groups gnomAD compares: South Asian, 0.026%; no homozygotes.

Submission:

Labcorp Genetics (formerly Invitae), Labcorp
Classification: Uncertain significance. Last evaluated: 2024-07-09. Review status: criteria provided, single submitter. Criteria: Invitae Variant Classification Sherloc (09022015). Collection method: clinical testing. Allele origin: germline.
Comment: This sequence change replaces threonine, which is neutral and polar, with isoleucine, which is neutral and non-polar, at codon 686 of the MICAL1 protein (p.Thr686Ile). This variant is present in population databases (rs539010110, gnomAD 0.02%). This variant has not been reported in the literature in individuals affected with MICAL1-related conditions. An algorithm developed to predict the effect of missense changes on protein structure and function (PolyPhen-2) suggests that this variant is likely to be tolerated. In summary, the available evidence is currently insufficient to determine the role of this variant in disease. Therefore, it has been classified as a Variant of Uncertain Significance.

NM_022765.4(MICAL1):c.2000C>T (p.Thr667Ile)

Gene: MICAL1 (microtubule associated monooxygenase, calponin and LIM domain containing 1; minus strand). Cytogenetic location: 6q21.
Variant type: single nucleotide variant.
Coding change: c.2000C>T on transcript NM_022765.4 (MANE Select); coding-DNA position 2000, C replaced by T.
Protein change: p.Thr667Ile; replaces threonine 667 with isoleucine.
Molecular consequence: missense variant.
Genome position (GRCh38, 1-based): chr6:109,447,427, G>A on the plus strand (C>T on the coding strand, the complement: MICAL1 is on the minus strand). VCF-style: chr6-109447427-G-A. GRCh37 (hg19) VCF-style: chr6-109768630-G-A.
Other names: c.1742C>T, p.Thr581Ile (NM_001159291.2); c.2057C>T, p.Thr686Ile (NM_001286613.2); short protein forms T581I, T667I, T686I.
Identifiers: ClinVar variation 3625569 (VCV003625569.2).
Genomic context (GRCh38, chr6:109,447,427, plus strand): 5'-TGGGATGGGGGTGTCAGGGGTACACCAGGCTCTGGGTCAGGTGGCACCTCAGTACTTGGG[G>A]TCTCGGCCTCCATCTAAGGAGGTAAGTGCTCAGGCAGGGAGGGTAGAGGGGCAGGGCCAG-3'
Protein context (NP_073602.3, residues 657-677): KKLRLEMEAE[Thr667Ile]PSTEVPPDPE